The following is an entry in ClinVar:

NM_002473.6(MYH9):c.5765+34G>A

Gene: MYH9 (myosin heavy chain 9; minus strand). Cytogenetic location: 22q12.3.
Variant type: single nucleotide variant.
Coding change: c.5765+34G>A on transcript NM_002473.6 (MANE Select); 34 bases into the intron after coding-DNA position 5765, G replaced by A.
Molecular consequence: intron variant.
Genome position (GRCh38, 1-based): chr22:36,284,059, C>T on the plus strand (G>A on the coding strand, the complement: MYH9 is on the minus strand). VCF-style: chr22-36284059-C-T. GRCh37 (hg19) VCF-style: chr22-36680105-C-T.
Identifiers: ClinVar variation 3041696 (VCV003041696.2), dbSNP rs368826129, ClinGen allele CA10208926.

ClinVar aggregate classification (germline): Likely benign (0 of 4 stars; one submission).

Conditions:
MYH9-related disorder. Identifiers: MedGen C1854520.

Allele frequency attached by ClinVar (database versions not stated): gnomAD 0.00013; ExAC 0.00015; ESP Exome Variant Server 0.00015; TOPMed 0.00015.
gnomAD v4.1: 352 of 1,518,768 alleles (0.023%); highest among the groups gnomAD compares: Middle Eastern, 0.4%; no homozygotes.

Submission:

PreventionGenetics, part of Exact Sciences
Classification: Likely benign for MYH9-related condition. Last evaluated: 2023-06-07. Review status: no assertion criteria provided. Collection method: clinical testing. Allele origin: germline.
Comment: This variant is classified as likely benign based on ACMG/AMP sequence variant interpretation guidelines (Richards et al. 2015 PMID: 25741868, with internal and published modifications).